The following is an entry in ClinVar:

NM_013276.4(SHPK):c.787T>G (p.Ser263Ala)

Gene: SHPK (sedoheptulokinase; minus strand). Cytogenetic location: 17p13.2.
Variant type: single nucleotide variant.
Coding change: c.787T>G on transcript NM_013276.4 (MANE Select); coding-DNA position 787, T replaced by G.
Protein change: p.Ser263Ala; replaces serine 263 with alanine.
Molecular consequence: missense variant.
Genome position (GRCh38, 1-based): chr17:3,621,273, A>C on the plus strand (T>G on the coding strand, the complement: SHPK is on the minus strand). VCF-style: chr17-3621273-A-C. GRCh37 (hg19) VCF-style: chr17-3524567-A-C.
Other names: short protein forms S263A.
Identifiers: ClinVar variation 3604611 (VCV003604611.2).

ClinVar aggregate classification (germline): Uncertain significance (1 of 4 stars; one submission).

Submission:

Labcorp Genetics (formerly Invitae), Labcorp
Classification: Uncertain significance. Last evaluated: 2024-11-28. Review status: criteria provided, single submitter. Criteria: Invitae Variant Classification Sherloc (09022015). Collection method: clinical testing. Allele origin: germline.
Comment: This sequence change replaces serine, which is neutral and polar, with alanine, which is neutral and non-polar, at codon 263 of the SHPK protein (p.Ser263Ala). This variant is not present in population databases (gnomAD no frequency). This variant has not been reported in the literature in individuals affected with SHPK-related conditions. An algorithm developed to predict the effect of missense changes on protein structure and function (PolyPhen-2) suggests that this variant is likely to be tolerated. In summary, the available evidence is currently insufficient to determine the role of this variant in disease. Therefore, it has been classified as a Variant of Uncertain Significance.